The following is an entry in ClinVar:

ClinVar aggregate classification (germline): Uncertain significance (1 of 4 stars; one submission).

Conditions:
Hereditary cancer-predisposing syndrome. Also called: Hereditary neoplastic syndrome; Neoplastic Syndromes, Hereditary; Tumor predisposition; Hereditary Cancer Syndrome. Identifiers: Orphanet 140162, MedGen C0027672, MeSH D009386, MONDO:0015356.

Submission:

Ambry Genetics
Classification: Uncertain significance for Hereditary cancer-predisposing syndrome. Last evaluated: 2025-06-21. Review status: criteria provided, single submitter. Criteria: Ambry Variant Classification Scheme 2023. Collection method: clinical testing. Allele origin: germline.
Comment: The p.Q64R variant (also known as c.191A>G), located in coding exon 1 of the PTCH1 gene, results from an A to G substitution at nucleotide position 191. The glutamine at codon 64 is replaced by arginine, an amino acid with highly similar properties. This amino acid position is conserved. In addition, the in silico prediction for this alteration is inconclusive. Based on the available evidence, the clinical significance of this variant remains unclear.

NM_000264.5(PTCH1):c.191A>G (p.Gln64Arg)

Gene: PTCH1 (patched 1; minus strand). Cytogenetic location: 9q22.32.
Variant type: single nucleotide variant.
Coding change: c.191A>G on transcript NM_000264.5 (MANE Select); coding-DNA position 191, A replaced by G.
Protein change: p.Gln64Arg; replaces glutamine 64 with arginine.
Molecular consequence: missense variant. On other transcripts: non-coding transcript variant (1), intron variant (3).
Genome position (GRCh38, 1-based): chr9:95,508,171, T>C on the plus strand (A>G on the coding strand, the complement: PTCH1 is on the minus strand). VCF-style: chr9-95508171-T-C. GRCh37 (hg19) VCF-style: chr9-98270453-T-C.
Other names: c.191A>G, p.Gln64Arg (NM_001354918.2); c.199-1572A>G (NM_001083603.3); c.4-1572A>G (NM_001083602.3, NM_001354919.2); short protein forms Q64R.
Identifiers: ClinVar variation 4146845 (VCV004146845.1).
Genomic context (GRCh38, chr9:95,508,171, plus strand): 5'-AAGAGTTAGAGGAGGGAAGAGAAAGTGGGAGGAGAGAGTCTGAAATGCACCTTGGAAATC[T>C]GCTCCAGAGCGAAGGCGGCGTCGCAGTAGCTGGGCCGGTGCAGATAGTCCCGGTCCGGCG-3'
Protein context (NP_000255.2, residues 54-74): SYCDAAFALE[Gln64Arg]ISKGKATGRK